The following is an entry in ClinVar:

ClinVar aggregate classification (germline): Likely pathogenic (1 of 4 stars; one submission).

Conditions:
Autosomal recessive limb-girdle muscular dystrophy. Identifiers: Orphanet 102015, MedGen C2931907, MONDO:0015152.

Submission:

Myriad Genetics, Inc.
Classification: Likely pathogenic for Autosomal recessive limb-girdle muscular dystrophy. Last evaluated: 2021-12-09. Review status: criteria provided, single submitter. Criteria: Myriad Autosomal Dominant, Autosomal Recessive and X-Linked Classification Criteria (2023). Collection method: clinical testing. Allele origin: unknown.
Comment: NM_003494.3(DYSF):c.5132_5133delTC(V1711Efs*15) is expected to be pathogenic in the context of dysferlinopathy. This variant is predicted to lead to an abnormal or absent protein product due to the creation of a premature termination codon in DYSF, a gene where loss-of-function variants are known to be pathogenic. Please note: this variant was assessed in the context of healthy population screening.

NM_001130987.2(DYSF):c.5249_5250del (p.Val1750fs)

Gene: DYSF (dysferlin; plus strand). Cytogenetic location: 2p13.2.
Variant type: Deletion.
Coding change: c.5249_5250del on transcript NM_001130987.2 (MANE Select); coding-DNA positions 5249 to 5250, 2 bases deleted (TC; older notation c.5249_5250delTC).
Protein change: p.Val1750fs; shifts the reading frame from valine 1750.
Molecular consequence: frameshift variant.
Genome position (GRCh38, 1-based): chr2:71,665,236-71,665,237, TC deleted. VCF-style (leftmost placement, unchanged base first): chr2-71665235-GTC-G. GRCh37 (hg19) VCF-style: chr2-71892365-GTC-G.
Other names: c.5135_5136del, p.Val1712fs (NM_001130455.2); c.5090_5091del, p.Val1697fs (NM_001130976.2); c.5153_5154del, p.Val1718fs (NM_001130977.2); c.5195_5196del, p.Val1732fs (NM_001130978.2); c.5225_5226del, p.Val1742fs (NM_001130979.2); c.5183_5184del, p.Val1728fs (NM_001130980.2); c.5246_5247del, p.Val1749fs (NM_001130981.2); c.5228_5229del, p.Val1743fs (NM_001130982.2); and 5 more; short protein forms V1697fs, V1698fs, V1711fs, V1712fs, V1718fs, V1719fs, V1728fs, V1729fs.
Identifiers: ClinVar variation 1726187 (VCV001726187.3), dbSNP rs2546547388, ClinGen allele CA2580067938.
Genomic context (GRCh38, chr2:71,665,235, plus strand): 5'-CAGTGGCGGGACCAGCTCCGCCCCTCCCAGCTCCTCCACCTCTTCTGCCAGCAGCATAGA[GTC>G]AAGGCACCTGTGTACCGGACAGACCGTGTAATGTTTCAGGATAAAGAATATTCCATTGAA-3'